The following is an entry in ClinVar:

ClinVar aggregate classification (germline): Conflicting classifications of pathogenicity. Review status: criteria provided, conflicting classifications (1 of 4 stars). 3 submissions from 3 submitters: Uncertain significance (1); Benign (1). 1 of the submissions does not count toward it. Last evaluated 2025-12-24.

Conditions:
TBX18-related disorder. Also called: TBX18-related condition.
Inborn genetic diseases. Identifiers: MedGen C0950123, MeSH D030342.

Allele frequency attached by ClinVar (database versions not stated): gnomAD exomes 0.00016 and 0.00034; ESP Exome Variant Server 0.00057; 1000 Genomes Project 30x 0.00078; 1000 Genomes Project 0.00080; ExAC 0.00090; gnomAD 0.00138 and 0.00151; TOPMed 0.00170.
gnomAD v4.1: 439 of 1,563,412 alleles (0.028%); highest among the groups gnomAD compares: African/African-American, 0.54%; no homozygotes.

Submissions (3):

Labcorp Genetics (formerly Invitae), Labcorp
Classification: Benign. Last evaluated: 2025-12-24. Review status: criteria provided, single submitter. Criteria: Invitae Variant Classification Sherloc (09022015). Collection method: clinical testing. Allele origin: germline.

Ambry Genetics
Classification: Uncertain significance for Inborn genetic diseases. Last evaluated: 2025-08-13. Review status: criteria provided, single submitter. Criteria: Ambry Variant Classification Scheme 2023. Collection method: clinical testing. Allele origin: germline.

PreventionGenetics, part of Exact Sciences
Classification: Benign for TBX18-related condition. Last evaluated: 2022-11-16. Review status: no assertion criteria provided. Collection method: clinical testing. Allele origin: germline. Not counted in ClinVar's aggregate classification.
Comment: This variant is classified as benign based on ACMG/AMP sequence variant interpretation guidelines (Richards et al. 2015 PMID: 25741868, with internal and published modifications).

NM_001080508.3(TBX18):c.128C>T (p.Ala43Val)

Gene: TBX18 (T-box transcription factor 18; minus strand). Cytogenetic location: 6q14.3.
Variant type: single nucleotide variant.
Coding change: c.128C>T on transcript NM_001080508.3 (MANE Select); coding-DNA position 128, C replaced by T.
Protein change: p.Ala43Val; replaces alanine 43 with valine.
Molecular consequence: missense variant.
Genome position (GRCh38, 1-based): chr6:84,764,054, G>A on the plus strand (C>T on the coding strand, the complement: TBX18 is on the minus strand). VCF-style: chr6-84764054-G-A. GRCh37 (hg19) VCF-style: chr6-85473772-G-A.
Other names: c.128C>T (NM_001080508.1); short protein forms A43V.
Identifiers: ClinVar variation 737221 (VCV000737221.11), dbSNP rs375648531, ClinGen allele CA3911198.